The following is an entry in ClinVar:

ClinVar aggregate classification (germline): Likely benign (1 of 4 stars; one submission).

Submission:

CeGaT Center for Human Genetics Tuebingen
Classification: Likely benign. Last evaluated: 2024-08-01. Review status: criteria provided, single submitter. Criteria: CeGaT Center For Human Genetics Tuebingen Variant Classification Criteria Version 2. Collection method: clinical testing. Allele origin: germline. Affected: yes. Observed: 1 variant allele.
Comment: PHGR1: PM2:Supporting, BP4, BP7

NM_001145643.2(PHGR1):c.141T>A (p.Pro47=)

Gene: PHGR1 (proline, histidine and glycine rich 1; plus strand). Cytogenetic location: 15q15.1.
Variant type: single nucleotide variant.
Coding change: c.141T>A on transcript NM_001145643.2 (MANE Select); coding-DNA position 141, T replaced by A.
Protein change: p.Pro47=; no amino-acid change (proline 47 retained).
Molecular consequence: synonymous variant.
Genome position (GRCh38, 1-based): chr15:40,356,195, T>A. VCF-style: chr15-40356195-T-A. GRCh37 (hg19) VCF-style: chr15-40648396-T-A.
Identifiers: ClinVar variation 3341724 (VCV003341724.16).
Genomic context (GRCh38, chr15:40,356,195, plus strand): 5'-TGGCCCAGGGCCCTGCGGGCCACCCCCCCACCATGGTCCAGGGCCCTGCGGGCCACCCCC[T>A]GGCCATGGCCCAGGGCCCTGCGGGCCACCCCCCCACCATGGTCCAGGGCCCTGCGGGCCT-3'
Protein context (NP_001139115.1, residues 37-57): HHGPGPCGPP[Pro47=]GHGPGPCGPP